The following is an entry in ClinVar:

ClinVar aggregate classification (germline): Uncertain significance (1 of 4 stars; one submission).

Conditions:
Renal cell carcinoma. Identifiers: Orphanet 217071, MedGen C0007134, MeSH D002292, MONDO:0005086, HP:0005584.

Submission:

Labcorp Genetics (formerly Invitae), Labcorp
Classification: Uncertain significance for Renal cell carcinoma. Last evaluated: 2022-05-18. Review status: criteria provided, single submitter. Criteria: Invitae Variant Classification Sherloc (09022015). Collection method: clinical testing. Allele origin: germline.
Comment: This sequence change creates a premature translational stop signal (p.Ser1388*) in the MET gene. While this is not anticipated to result in nonsense mediated decay, it is expected to disrupt the last 21 amino acid(s) of the MET protein. This variant is not present in population databases (gnomAD no frequency). This variant has not been reported in the literature in individuals affected with MET-related conditions. Experimental studies and prediction algorithms are not available or were not evaluated, and the functional significance of this variant is currently unknown. In summary, the available evidence is currently insufficient to determine the role of this variant in disease. Therefore, it has been classified as a Variant of Uncertain Significance.

NM_000245.4(MET):c.4109C>G (p.Ser1370Ter)

Gene: MET (MET proto-oncogene, receptor tyrosine kinase; plus strand). Cytogenetic location: 7q31.2.
Variant type: single nucleotide variant.
Coding change: c.4109C>G on transcript NM_000245.4 (MANE Select); coding-DNA position 4109, C replaced by G.
Protein change: p.Ser1370Ter; replaces serine 1370 with a stop codon.
Molecular consequence: nonsense.
Genome position (GRCh38, 1-based): chr7:116,796,060, C>G. VCF-style: chr7-116796060-C-G. GRCh37 (hg19) VCF-style: chr7-116436114-C-G.
Other names: c.4163C>G, p.Ser1388Ter (NM_001127500.3); c.2819C>G, p.Ser940Ter (NM_001324402.2); short protein forms S940*, S1370*, S1388*.
Identifiers: ClinVar variation 1995996 (VCV001995996.4), dbSNP rs2117113091, ClinGen allele CA369118413.
Genomic context (GRCh38, chr7:116,796,060, plus strand): 5'-TCCATGTGAACGCTACTTATGTGAACGTAAAATGTGTCGCTCCGTATCCTTCTCTGTTGT[C>G]ATCAGAAGATAACGCTGATGATGAGGTGGACACACGACCAGCCTCCTTCTGGGAGACATC-3'